The following is an entry in ClinVar:

ClinVar aggregate classification (germline): Uncertain significance (1 of 4 stars; one submission).

gnomAD v4.1: 50 of 1,614,044 alleles (0.0031%); highest among the groups gnomAD compares: Middle Eastern, 0.049%; no homozygotes.

Submission:

Mayo Clinic Laboratories, Mayo Clinic
Classification: Uncertain significance. Last evaluated: 2025-05-01. Review status: criteria provided, single submitter. Criteria: ACMG Guidelines, 2015. Collection method: clinical testing. Allele origin: germline. Observed: 1 variant allele.
Comment: BP4_moderate, PM2_supporting

NM_000129.4(F13A1):c.2130G>A (p.Met710Ile)

Gene: F13A1 (coagulation factor XIII A chain; minus strand). Cytogenetic location: 6p25.1.
Variant type: single nucleotide variant.
Coding change: c.2130G>A on transcript NM_000129.4 (MANE Select); coding-DNA position 2130, G replaced by A.
Protein change: p.Met710Ile; replaces methionine 710 with isoleucine.
Molecular consequence: missense variant.
Genome position (GRCh38, 1-based): chr6:6,145,688, C>T on the plus strand (G>A on the coding strand, the complement: F13A1 is on the minus strand). VCF-style: chr6-6145688-C-T. GRCh37 (hg19) VCF-style: chr6-6145921-C-T.
Other names: p.Met710Ile; short protein forms M710I.
Identifiers: ClinVar variation 4541101 (VCV004541101.1).
Genomic context (GRCh38, chr6:6,145,688, plus strand): 5'-AGGTCGTCTTTGAATCTGCACGTCCAGCTCGCCATACACATGTCTCAGGGAGTCACTGCT[C>T]ATGCTGGCTATCAGCTTCCGATGCCCAGAGACCCAGGGCCGGCACACTTCTTCCCACTGC-3'
Protein context (NP_000120.2, residues 700-720): VSGHRKLIAS[Met710Ile]SSDSLRHVYG